The following is an entry in ClinVar:

NM_001010874.5(TECRL):c.53C>A (p.Ser18Tyr)

Gene: TECRL (trans-2,3-enoyl-CoA reductase like; minus strand). Cytogenetic location: 4q13.1.
Variant type: single nucleotide variant.
Coding change: c.53C>A on transcript NM_001010874.5 (MANE Select); coding-DNA position 53, C replaced by A.
Protein change: p.Ser18Tyr; replaces serine 18 with tyrosine.
Molecular consequence: missense variant.
Genome position (GRCh38, 1-based): chr4:64,409,299, G>T on the plus strand (C>A on the coding strand, the complement: TECRL is on the minus strand). VCF-style: chr4-64409299-G-T. GRCh37 (hg19) VCF-style: chr4-65275017-G-T.
Other names: c.53C>A, p.Ser18Tyr (NM_001363796.1); short protein forms S18Y.
Identifiers: ClinVar variation 3454621 (VCV003454621.1).

ClinVar aggregate classification (germline): Uncertain significance (1 of 4 stars; one submission).

Conditions:
Cardiovascular phenotype. Identifiers: MedGen CN230736.

gnomAD v4.1: 7 of 1,613,700 alleles (0.00043%); highest among the groups gnomAD compares: Non-Finnish European, 0.00059%; no homozygotes.

Submission:

Ambry Genetics
Classification: Uncertain significance for Cardiovascular phenotype. Last evaluated: 2024-09-08. Review status: criteria provided, single submitter. Criteria: Ambry Variant Classification Scheme 2023. Collection method: clinical testing. Allele origin: germline.
Comment: The p.S18Y variant (also known as c.53C>A), located in coding exon 1 of the TECRL gene, results from a C to A substitution at nucleotide position 53. The serine at codon 18 is replaced by tyrosine, an amino acid with dissimilar properties. This amino acid position is conserved. In addition, this alteration is predicted to be tolerated by in silico analysis. Based on the available evidence, the clinical significance of this variant remains unclear.